The following is an entry in ClinVar:

ClinVar aggregate classification (germline): Uncertain significance (1 of 4 stars; one submission).

Submission:

GeneDx
Classification: Uncertain significance. Last evaluated: 2024-06-23. Review status: criteria provided, single submitter. Criteria: GeneDx Variant Classification Process June 2021. Collection method: clinical testing. Allele origin: germline. Affected: yes.
Comment: Not observed at significant frequency in large population cohorts (gnomAD); In silico analysis indicates that this missense variant does not alter protein structure/function; Has not been previously published as pathogenic or benign to our knowledge

NM_198880.3(QRICH1):c.2035A>C (p.Thr679Pro)

Gene: QRICH1 (glutamine rich 1; minus strand). Cytogenetic location: 3p21.31.
Variant type: single nucleotide variant.
Coding change: c.2035A>C on transcript NM_198880.3 (MANE Select); coding-DNA position 2035, A replaced by C.
Protein change: p.Thr679Pro; replaces threonine 679 with proline.
Molecular consequence: missense variant.
Genome position (GRCh38, 1-based): chr3:49,032,634, T>G on the plus strand (A>C on the coding strand, the complement: QRICH1 is on the minus strand). VCF-style: chr3-49032634-T-G. GRCh37 (hg19) VCF-style: chr3-49070067-T-G.
Other names: c.2035A>C, p.Thr679Pro (NM_001320580.2, NM_001320581.2, NM_001320582.2 and 4 more transcripts); short protein forms T679P.
Identifiers: ClinVar variation 3391469 (VCV003391469.1).